The following is an entry in ClinVar:

ClinVar aggregate classification (germline): Uncertain significance (1 of 4 stars; one submission).

gnomAD v4.1: 4 of 1,613,696 alleles (0.00025%); highest among the groups gnomAD compares: East Asian, 0.0022%; no homozygotes.

Submission:

GeneDx
Classification: Uncertain significance. Last evaluated: 2024-06-18. Review status: criteria provided, single submitter. Criteria: GeneDx Variant Classification Process June 2021. Collection method: clinical testing. Allele origin: germline. Affected: yes.
Comment: Not observed at significant frequency in large population cohorts (gnomAD); In silico analysis indicates that this missense variant does not alter protein structure/function; Has not been previously published as pathogenic or benign to our knowledge

NM_024757.5(EHMT1):c.2002G>A (p.Asp668Asn)

Gene: EHMT1 (euchromatic histone lysine methyltransferase 1; plus strand). Cytogenetic location: 9q34.3.
Variant type: single nucleotide variant.
Coding change: c.2002G>A on transcript NM_024757.5 (MANE Select); coding-DNA position 2002, G replaced by A.
Protein change: p.Asp668Asn; replaces aspartic acid 668 with asparagine.
Molecular consequence: missense variant.
Genome position (GRCh38, 1-based): chr9:137,776,828, G>A. VCF-style: chr9-137776828-G-A. GRCh37 (hg19) VCF-style: chr9-140671280-G-A.
Other names: c.2002G>A, p.Asp668Asn (NM_001145527.2); c.1909G>A, p.Asp637Asn (NM_001354259.2); c.1981G>A, p.Asp661Asn (NM_001354263.2); short protein forms D637N, D661N, D668N.
Identifiers: ClinVar variation 3391755 (VCV003391755.1).